The following is an entry in ClinVar:

ClinVar aggregate classification (germline): Conflicting classifications of pathogenicity. Review status: criteria provided, conflicting classifications (1 of 4 stars). 3 submissions from 3 submitters: Uncertain significance (1); Likely benign (2). Last evaluated 2026-05-11.

Conditions:
PRDM13-related disorder. Also called: PRDM13-related condition.

Submissions (3):

PreventionGenetics, part of Exact Sciences
Classification: Uncertain significance for PRDM13-related condition. Last evaluated: 2026-05-11. Review status: criteria provided, single submitter. Criteria: ACMG Guidelines, 2015. Collection method: clinical testing. Allele origin: germline.
Comment: The PRDM13 c.1224_1241del18 variant is predicted to result in an in-frame deletion (p.Pro409_Ala414del). To our knowledge, this variant has not been reported in the literature. This variant is reported in 0.13% of alleles in individuals of Ashkenazi Jewish descent in gnomAD, which may be too frequent to be a primary cause of disease. Although we suspect that this variant may be benign, at this time, the clinical significance of this variant is uncertain due to the absence of conclusive functional and genetic evidence.

Labcorp Genetics (formerly Invitae), Labcorp
Classification: Likely benign. Last evaluated: 2026-01-26. Review status: criteria provided, single submitter. Criteria: Invitae Variant Classification Sherloc (09022015). Collection method: clinical testing. Allele origin: germline.

Blueprint Genetics
Classification: Likely benign. Last evaluated: 2022-09-05. Review status: criteria provided, single submitter. Criteria: ACMG Guidelines, 2015. Collection method: clinical testing. Allele origin: germline.

NM_021620.4(PRDM13):c.1224_1241del (p.Pro409_Ala414del)

Gene: PRDM13 (PR/SET domain 13; plus strand). Cytogenetic location: 6q16.2.
Variant type: Deletion.
Coding change: c.1224_1241del on transcript NM_021620.4 (MANE Select); coding-DNA positions 1224 to 1241, 18 bases deleted (CCCGCCCGCAGCCGCCGC).
Protein change: p.Pro409_Ala414del.
Molecular consequence: inframe deletion.
Genome position (GRCh38, 1-based): chr6:99,613,859-99,613,876, CCCGCCCGCAGCCGCCGC deleted; deleting any 18 consecutive bases within chr6:99,613,856-99,613,876 gives the same sequence; the c. name uses the placement nearest the transcript's 3' end. VCF-style (leftmost placement, unchanged base first): chr6-99613855-GCGCCCCGCCCGCAGCCGC-G. GRCh37 (hg19) VCF-style: chr6-100061731-GCGCCCCGCCCGCAGCCGC-G.
Other names: c.1224_1241del18 (NM_021620.3).
Identifiers: ClinVar variation 1021214 (VCV001021214.10), dbSNP rs781773439, ClinGen allele CA3936329.